The following is an entry in ClinVar:

NM_015450.3(POT1):c.546+4C>A

Gene: POT1 (protection of telomeres 1; minus strand). Cytogenetic location: 7q31.33.
Variant type: single nucleotide variant.
Coding change: c.546+4C>A on transcript NM_015450.3 (MANE Select); 4 bases into the intron after coding-DNA position 546, C replaced by A.
Molecular consequence: intron variant.
Genome position (GRCh38, 1-based): chr7:124,863,346, G>T on the plus strand (C>A on the coding strand, the complement: POT1 is on the minus strand). VCF-style: chr7-124863346-G-T. GRCh37 (hg19) VCF-style: chr7-124503400-G-T.
Other names: c.153+4C>A (NM_001042594.2).
Identifiers: ClinVar variation 1423975 (VCV001423975.8), dbSNP rs1795644961, ClinGen allele CA2573141677.

ClinVar aggregate classification (germline): Uncertain significance. Review status: criteria provided, multiple submitters, no conflicts (2 of 4 stars). 2 submissions from 2 submitters: Uncertain significance (2). Last evaluated 2023-01-25.

Conditions:
Tumor predisposition syndrome 3 (TPDS3). Also called: LONG TELOMERE SYNDROME, POT1-RELATED; POT1 Tumor Predisposition; Glioma susceptibility 9; Melanoma, cutaneous malignant, susceptibility to, 10. Identifiers: Orphanet 618, MedGen C4014476, MONDO:0014368, OMIM 615848.
Hereditary cancer-predisposing syndrome. Also called: Hereditary Cancer Syndrome; Neoplastic Syndromes, Hereditary; Hereditary neoplastic syndrome; Tumor predisposition. Identifiers: Orphanet 140162, MedGen C0027672, MeSH D009386, MONDO:0015356.

gnomAD v4.1: 1 of 1,606,616 alleles (0.000062%); highest among the groups gnomAD compares: Non-Finnish European, 0.000085%; no homozygotes.

Submissions (2):

Labcorp Genetics (formerly Invitae), Labcorp
Classification: Uncertain significance for Tumor predisposition syndrome 3. Last evaluated: 2023-01-25. Review status: criteria provided, single submitter. Criteria: Invitae Variant Classification Sherloc (09022015). Collection method: clinical testing. Allele origin: germline.
Comment: ClinVar contains an entry for this variant (Variation ID: 1423975). This variant has not been reported in the literature in individuals affected with POT1-related conditions. This variant is not present in population databases (gnomAD no frequency). This sequence change falls in intron 8 of the POT1 gene. It does not directly change the encoded amino acid sequence of the POT1 protein. It affects a nucleotide within the consensus splice site. Variants that disrupt the consensus splice site are a relatively common cause of aberrant splicing (PMID: 17576681, 9536098). Algorithms developed to predict the effect of sequence changes on RNA splicing suggest that this variant is not likely to affect RNA splicing. In summary, the available evidence is currently insufficient to determine the role of this variant in disease. Therefore, it has been classified as a Variant of Uncertain Significance.

Ambry Genetics
Classification: Uncertain significance for Hereditary cancer-predisposing syndrome. Last evaluated: 2022-03-29. Review status: criteria provided, single submitter. Criteria: Ambry Variant Classification Scheme 2023. Collection method: clinical testing. Allele origin: germline.
Comment: The c.546+4C>A intronic variant results from a C to A substitution 4 nucleotides after coding exon 4 in the POT1 gene. This nucleotide position is not well conserved in available vertebrate species. In silico splice site analysis predicts that this alteration will not have any significant effect on splicing. Since supporting evidence is limited at this time, the clinical significance of this alteration remains unclear.

Literature cited by the submitters: PubMed 17576681 (cited by Labcorp Genetics (formerly Invitae), Labcorp); PubMed 9536098 (cited by Labcorp Genetics (formerly Invitae), Labcorp).